The following is an entry in ClinVar:

NM_053274.3(GLMN):c.1720C>T (p.Arg574Ter)

Gene: GLMN (glomulin, FKBP associated protein; minus strand). Cytogenetic location: 1p22.1.
Variant type: single nucleotide variant.
Coding change: c.1720C>T on transcript NM_053274.3 (MANE Select); coding-DNA position 1720, C replaced by T.
Protein change: p.Arg574Ter; replaces arginine 574 with a stop codon.
Molecular consequence: nonsense. On other transcripts: non-coding transcript variant (1).
Genome position (GRCh38, 1-based): chr1:92,246,595, G>A on the plus strand (C>T on the coding strand, the complement: GLMN is on the minus strand). VCF-style: chr1-92246595-G-A. GRCh37 (hg19) VCF-style: chr1-92712152-G-A.
Other names: c.1678C>T, p.Arg560Ter (NM_001319683.2); short protein forms R574*, R560*.
Identifiers: ClinVar variation 618145 (VCV000618145.11), dbSNP rs751408583, ClinGen allele CA26733025.

ClinVar aggregate classification (germline): Likely pathogenic. Review status: criteria provided, multiple submitters, no conflicts (2 of 4 stars). 4 submissions from 4 submitters: Likely pathogenic (4). Last evaluated 2026-09-01.

Conditions:
GLMN-related disorder. Also called: GLMN-related condition.
Vascular skin disorders.
GLMN-related disorders.

gnomAD v4.1: 13 of 1,598,650 alleles (0.00081%); highest among the groups gnomAD compares: Non-Finnish European, 0.001%; no homozygotes.

Submissions (4):

PreventionGenetics, part of Exact Sciences
Classification: Likely pathogenic for GLMN-related condition. Last evaluated: 2026-09-01. Review status: criteria provided, single submitter. Criteria: ACMG Guidelines, 2015. Collection method: clinical testing. Allele origin: germline.
Comment: The GLMN c.1720C>T variant is predicted to result in premature protein termination (p.Arg574*). This variant has been reported in individuals with glomuvenous malformations (Brouillard et al. 2013. PubMed ID: 23801931; Ramessur et al. 2023. PubMed ID: 37655781). This variant is reported in 0.00088% of alleles in individuals of European (Non-Finnish) descent in gnomAD. This variant is interpreted as likely pathogenic.

Genetics Laboratory, Great Ormond Street Hospital NHS Foundation Trust, North Thames Genomic Laboratory Hub
Classification: Likely pathogenic for Vascular skin disorders. Last evaluated: 2025-09-17. Review status: criteria provided, single submitter. Criteria: ACGS Best Practice Guidelines for Variant Classification in Rare Disease 2024 v1.2. Collection method: clinical testing. Allele origin: germline. Affected: yes.
Comment: PS4_moderate, PM2_moderate, PVS1_strong

Blueprint Genetics
Classification: Likely pathogenic for GLMN-related disorders. Last evaluated: 2022-12-27. Review status: criteria provided, single submitter. Criteria: ACMG Guidelines, 2015. Collection method: clinical testing. Allele origin: germline. Affected: yes. Observed: 1 variant allele.

ARUP Laboratories, Molecular Genetics and Genomics, ARUP Laboratories
Classification: Likely pathogenic. Last evaluated: 2018-05-13. Review status: criteria provided, single submitter. Criteria: ARUP Molecular Germline Variant Investigation Process. Collection method: clinical testing. Allele origin: germline.
Comment: The GLMN: p.Arg574Ter variant (rs751408583) was reported in one patient with glomuvenous malformation (Brouillard 2013). This variant is listed in the Genome Aggregation Database (gnomAD) identified on a single chromosome out of 245,592. This variant results in a premature termination codon in the last exon of the GLMN gene. While this may not lead to nonsense-mediated decay, it is expected to create a truncated protein product. Nonsense variants in GLMN are a common mechanism of disease. Based on the above, the p.Arg574Ter variant is considered to be likely pathogenic.